The following is an entry in ClinVar:

ClinVar aggregate classification (germline): Uncertain significance. Review status: criteria provided, multiple submitters, no conflicts (2 of 4 stars). 4 submissions from 4 submitters: Uncertain significance (4). Last evaluated 2026-01-26.

Conditions:
Inborn genetic diseases. Identifiers: MedGen C0950123, MeSH D030342.
TTLL5-related disorder. Also called: TTLL5-related condition.

Allele frequency attached by ClinVar (database versions not stated): gnomAD 0.00004 and 0.00005; TOPMed 0.00006; ExAC 0.00013; 1000 Genomes Project 30x 0.00016; gnomAD exomes 0.00017; 1000 Genomes Project 0.00020.
gnomAD v4.1: 63 of 1,613,256 alleles (0.0039%); highest among the groups gnomAD compares: Admixed American, 0.084%; no homozygotes.

Submissions (4):

PreventionGenetics, part of Exact Sciences
Classification: Uncertain significance for TTLL5-related condition. Last evaluated: 2026-01-26. Review status: criteria provided, single submitter. Criteria: ACMG Guidelines, 2015. Collection method: clinical testing. Allele origin: germline.
Comment: The TTLL5 c.398G>A variant is predicted to result in the amino acid substitution p.Arg133Gln. To our knowledge, this variant has not been reported in the literature. This variant is present in 0.13% of alleles in individuals of Latino descent in gnomAD, which may be too frequent to be a primary cause of disease. At this time, the clinical significance of this variant is uncertain due to the absence of conclusive functional and genetic evidence.

Labcorp Genetics (formerly Invitae), Labcorp
Classification: Uncertain significance. Last evaluated: 2025-12-16. Review status: criteria provided, single submitter. Criteria: Invitae Variant Classification Sherloc (09022015). Collection method: clinical testing. Allele origin: germline.
Comment: This sequence change replaces arginine, which is basic and polar, with glutamine, which is neutral and polar, at codon 133 of the TTLL5 protein (p.Arg133Gln). This variant is present in population databases (rs533894435, gnomAD 0.1%). This variant has not been reported in the literature in individuals affected with TTLL5-related conditions. ClinVar contains an entry for this variant (Variation ID: 1045566). Invitae Evidence Modeling of protein sequence and biophysical properties (such as structural, functional, and spatial information, amino acid conservation, physicochemical variation, residue mobility, and thermodynamic stability) has been performed for this missense variant. However, the output from this modeling did not meet the statistical confidence thresholds required to predict the impact of this variant on TTLL5 protein function. In summary, the available evidence is currently insufficient to determine the role of this variant in disease. Therefore, it has been classified as a Variant of Uncertain Significance.

Ambry Genetics
Classification: Uncertain significance for Inborn genetic diseases. Last evaluated: 2025-02-04. Review status: criteria provided, single submitter. Criteria: Ambry Variant Classification Scheme 2023. Collection method: clinical testing. Allele origin: germline.

Blueprint Genetics
Classification: Uncertain significance. Last evaluated: 2020-03-04. Review status: criteria provided, single submitter. Criteria: ACMG Guidelines, 2015. Collection method: clinical testing. Allele origin: germline.

NM_015072.5(TTLL5):c.398G>A (p.Arg133Gln)

Gene: TTLL5 (tubulin tyrosine ligase like 5; plus strand). Cytogenetic location: 14q24.3.
Variant type: single nucleotide variant.
Coding change: c.398G>A on transcript NM_015072.5 (MANE Select); coding-DNA position 398, G replaced by A.
Protein change: p.Arg133Gln; replaces arginine 133 with glutamine.
Molecular consequence: missense variant.
Genome position (GRCh38, 1-based): chr14:75,690,218, G>A. VCF-style: chr14-75690218-G-A. GRCh37 (hg19) VCF-style: chr14-76156561-G-A.
Other names: c.398G>A (NM_015072.4); short protein forms R133Q.
Identifiers: ClinVar variation 1045566 (VCV001045566.9), dbSNP rs533894435, ClinGen allele CA7278916.